The following is an entry in ClinVar:

ClinVar aggregate classification (germline): Benign. Review status: criteria provided, multiple submitters, no conflicts (2 of 4 stars). 3 submissions from 3 submitters: Benign (3). Last evaluated 2021-05-12.

Conditions:
White sponge nevus 1. Also called: LEUKOKERATOSIS, HEREDITARY MUCOSAL. Identifiers: MedGen C4011926, MONDO:0008676, OMIM 193900.

Allele frequency attached by ClinVar (database versions not stated): gnomAD exomes 0.00848; ExAC 0.01015; gnomAD 0.03060 and 0.03297; ESP Exome Variant Server 0.03509; TOPMed 0.03523; 1000 Genomes Project 0.03614; 1000 Genomes Project 30x 0.03716.
gnomAD v4.1: 9,978 of 1,614,120 alleles (0.62%); highest among the groups gnomAD compares: African/African-American, 11%; 419 homozygotes.

Submissions (3):

GeneDx
Classification: Benign. Last evaluated: 2021-05-12. Review status: criteria provided, single submitter. Criteria: GeneDx Variant Classification Process June 2021. Collection method: clinical testing. Allele origin: germline. Affected: yes.

Illumina Laboratory Services, Illumina
Classification: Benign for White sponge nevus 1. Last evaluated: 2018-01-12. Review status: criteria provided, single submitter. Criteria: ICSL Variant Classification Criteria 13 December 2019. Collection method: clinical testing. Allele origin: germline.
Comment: This variant was observed in the ICSL laboratory as part of a predisposition screen in an ostensibly healthy population. It had not been previously curated by ICSL or reported in the Human Gene Mutation Database (HGMD: prior to June 1st, 2018), and was therefore a candidate for classification through an automated scoring system. Utilizing variant allele frequency, disease prevalence and penetrance estimates, and inheritance mode, an automated score was calculated to assess if this variant is too frequent to cause the disease. Based on the score and internal cut-off values, a variant classified as benign is not then subjected to further curation. The score for this variant resulted in a classification of benign for this disease.

Breakthrough Genomics
Classification: Benign. Review status: criteria provided, single submitter. Criteria: ACMG Guidelines, 2015. Collection method: not provided. Allele origin: germline. Inheritance: Autosomal dominant inheritance. Affected: yes.

NM_002272.4(KRT4):c.1381+15C>T

Gene: KRT4 (keratin 4; minus strand). Cytogenetic location: 12q13.13.
Variant type: single nucleotide variant.
Coding change: c.1381+15C>T on transcript NM_002272.4 (MANE Select); 15 bases into the intron after coding-DNA position 1381, C replaced by T.
Molecular consequence: intron variant.
Genome position (GRCh38, 1-based): chr12:52,807,344, G>A on the plus strand (C>T on the coding strand, the complement: KRT4 is on the minus strand). VCF-style: chr12-52807344-G-A. GRCh37 (hg19) VCF-style: chr12-53201128-G-A.
Identifiers: ClinVar variation 309670 (VCV000309670.7), dbSNP rs7952923, ClinGen allele CA6588406.
Genomic context (GRCh38, chr12:52,807,344, plus strand): 5'-AATGCTGCCAGCACCCCAGGGGTCTGGCAAGACCCGGGTGAATGAACAACTACAGCAGGC[G>A]TGGAAGGTACTTACAGATGCTCACGGCACTCTGGCATTCTCCAGACATTCTGTAGGGGAA-3'